The following is an entry in ClinVar:

ClinVar aggregate classification (germline): Uncertain significance (1 of 4 stars; one submission).

Conditions:
Cardiovascular phenotype. Identifiers: MedGen CN230736.

Allele frequency attached by ClinVar (database versions not stated): gnomAD exomes below 0.00001.
gnomAD v4.1: 2 of 1,614,078 alleles (0.00012%); highest among the groups gnomAD compares: Admixed American, 0.0017%; no homozygotes.

Submission:

Ambry Genetics
Classification: Uncertain significance for Cardiovascular phenotype. Last evaluated: 2021-09-15. Review status: criteria provided, single submitter. Criteria: Ambry Variant Classification Scheme 2023. Collection method: clinical testing. Allele origin: germline.
Comment: The p.E330V variant (also known as c.989A>T), located in coding exon 5 of the ALMS1 gene, results from an A to T substitution at nucleotide position 989. The glutamic acid at codon 330 is replaced by valine, an amino acid with dissimilar properties. This amino acid position is well conserved in available vertebrate species. In addition, this alteration is predicted to be tolerated by in silico analysis. Since supporting evidence is limited at this time, the clinical significance of this alteration remains unclear.

NM_001378454.1(ALMS1):c.986A>T (p.Glu329Val)

Gene: ALMS1 (ALMS1 centrosome and basal body associated protein; plus strand). Cytogenetic location: 2p13.1.
Variant type: single nucleotide variant.
Coding change: c.986A>T on transcript NM_001378454.1 (MANE Select); coding-DNA position 986, A replaced by T.
Protein change: p.Glu329Val; replaces glutamic acid 329 with valine.
Molecular consequence: missense variant.
Genome position (GRCh38, 1-based): chr2:73,424,651, A>T. VCF-style: chr2-73424651-A-T. GRCh37 (hg19) VCF-style: chr2-73651779-A-T.
Other names: c.989A>T, p.Glu330Val (NM_015120.4); short protein forms E330V, E329V.
Identifiers: ClinVar variation 1768514 (VCV001768514.2), dbSNP rs1213066760, ClinGen allele CA347261139.